The following is an entry in ClinVar:

ClinVar aggregate classification (germline): Uncertain significance (1 of 4 stars; one submission).

Submission:

Labcorp Genetics (formerly Invitae), Labcorp
Classification: Uncertain significance. Last evaluated: 2022-11-08. Review status: criteria provided, single submitter. Criteria: Invitae Variant Classification Sherloc (09022015). Collection method: clinical testing. Allele origin: germline.
Comment: This variant, c.4393_4395del, results in the deletion of 1 amino acid(s) of the ASPM protein (p.Glu1465del), but otherwise preserves the integrity of the reading frame. This variant is present in population databases (rs763303023, gnomAD 0.007%). In summary, the available evidence is currently insufficient to determine the role of this variant in disease. Therefore, it has been classified as a Variant of Uncertain Significance. Experimental studies and prediction algorithms are not available or were not evaluated, and the functional significance of this variant is currently unknown. This variant has not been reported in the literature in individuals affected with ASPM-related conditions.

NM_018136.5(ASPM):c.4390GAA[1] (p.Glu1465del)

Gene: ASPM (assembly factor for spindle microtubules; minus strand). Cytogenetic location: 1q31.3.
Variant type: Microsatellite.
Coding change: c.4390GAA[1] on transcript NM_018136.5 (MANE Select); one copy of the 3-base unit GAA starting at c.4390; the reference has two copies in a row; one copy, 3 bases deleted.
Protein change: p.Glu1465del; deletes glutamic acid 1465.
Molecular consequence: inframe deletion. On other transcripts: intron variant (1).
Genome position (GRCh38, 1-based): chr1:197,104,856-197,104,858, TTC deleted on the plus strand (GAA on the coding strand, the reverse complement: ASPM is on the minus strand); deleting any 3 consecutive bases within chr1:197,104,856-197,104,863 gives the same sequence; the position shown is the placement nearest the transcript's 3' end. VCF-style (leftmost placement, unchanged base first): chr1-197104855-TTTC-T. GRCh37 (hg19) VCF-style: chr1-197073985-TTTC-T.
Other names: c.4066-8694_4066-8692del (NM_001206846.2); short protein forms E1465del.
Identifiers: ClinVar variation 2126818 (VCV002126818.4), dbSNP rs763303023, ClinGen allele CA1309939.